The following is an entry in ClinVar:

ClinVar aggregate classification (germline): Uncertain significance. Review status: criteria provided, multiple submitters, no conflicts (2 of 4 stars). 2 submissions from 2 submitters: Uncertain significance (2). Last evaluated 2023-12-01.

Allele frequency attached by ClinVar (database versions not stated): gnomAD 0.00001.
gnomAD v4.1: 2 of 1,613,888 alleles (0.00012%); highest among the groups gnomAD compares: Non-Finnish European, 0.00017%; no homozygotes.

Submissions (2):

CeGaT Center for Human Genetics Tuebingen
Classification: Uncertain significance. Last evaluated: 2023-12-01. Review status: criteria provided, single submitter. Criteria: CeGaT Center For Human Genetics Tuebingen Variant Classification Criteria Version 2. Collection method: clinical testing. Allele origin: germline. Affected: yes. Observed: 1 variant allele.
Comment: HTRA1: PM2, BP4

Labcorp Genetics (formerly Invitae), Labcorp
Classification: Uncertain significance. Last evaluated: 2021-11-02. Review status: criteria provided, single submitter. Criteria: Invitae Variant Classification Sherloc (09022015). Collection method: clinical testing. Allele origin: germline.
Comment: In summary, the available evidence is currently insufficient to determine the role of this variant in disease. Therefore, it has been classified as a Variant of Uncertain Significance. Algorithms developed to predict the effect of missense changes on protein structure and function are either unavailable or do not agree on the potential impact of this missense change (SIFT: "Deleterious"; PolyPhen-2: "Benign"; Align-GVGD: "Class C0"). This variant has not been reported in the literature in individuals affected with HTRA1-related conditions. This variant is present in population databases (no rsID available, gnomAD 0.007%). This sequence change replaces isoleucine, which is neutral and non-polar, with asparagine, which is neutral and polar, at codon 377 of the HTRA1 protein (p.Ile377Asn).

NM_002775.5(HTRA1):c.1130T>A (p.Ile377Asn)

Gene: HTRA1 (HtrA serine peptidase 1; plus strand). Cytogenetic location: 10q26.13.
Variant type: single nucleotide variant.
Coding change: c.1130T>A on transcript NM_002775.5 (MANE Select); coding-DNA position 1130, T replaced by A.
Protein change: p.Ile377Asn; replaces isoleucine 377 with asparagine.
Molecular consequence: missense variant.
Genome position (GRCh38, 1-based): chr10:122,510,105, T>A. VCF-style: chr10-122510105-T-A. GRCh37 (hg19) VCF-style: chr10-124269621-T-A.
Other names: short protein forms I377N.
Identifiers: ClinVar variation 1358956 (VCV001358956.28), dbSNP rs1384480576, ClinGen allele CA378587431.